The following is an entry in ClinVar:

ClinVar aggregate classification (germline): Uncertain significance (1 of 4 stars; one submission).

Allele frequency attached by ClinVar (database versions not stated): TOPMed below 0.00001; gnomAD 0.00001.
gnomAD v4.1: 2 of 1,584,554 alleles (0.00013%); highest among the groups gnomAD compares: Admixed American, 0.0033%; no homozygotes.

Submission:

Labcorp Genetics (formerly Invitae), Labcorp
Classification: Uncertain significance. Last evaluated: 2022-06-23. Review status: criteria provided, single submitter. Criteria: Invitae Variant Classification Sherloc (09022015). Collection method: clinical testing. Allele origin: germline.
Comment: This sequence change replaces leucine, which is neutral and non-polar, with phenylalanine, which is neutral and non-polar, at codon 872 of the COL18A1 protein (p.Leu872Phe). This variant is not present in population databases (gnomAD no frequency). This variant has not been reported in the literature in individuals affected with COL18A1-related conditions. Experimental studies and prediction algorithms are not available or were not evaluated, and the functional significance of this variant is currently unknown. In summary, the available evidence is currently insufficient to determine the role of this variant in disease. Therefore, it has been classified as a Variant of Uncertain Significance.

NM_001379500.1(COL18A1):c.2616G>C (p.Leu872Phe)

Gene: COL18A1 (collagen type XVIII alpha 1 chain; plus strand). Cytogenetic location: 21q22.3.
Variant type: single nucleotide variant.
Coding change: c.2616G>C on transcript NM_001379500.1 (MANE Select); coding-DNA position 2616, G replaced by C.
Protein change: p.Leu872Phe; replaces leucine 872 with phenylalanine.
Molecular consequence: missense variant.
Genome position (GRCh38, 1-based): chr21:45,497,088, G>C. VCF-style: chr21-45497088-G-C. GRCh37 (hg19) VCF-style: chr21-46917002-G-C.
Other names: c.3156G>C, p.Leu1052Phe (NM_030582.4); c.3861G>C, p.Leu1287Phe (NM_130444.3); short protein forms L1052F, L1287F, L872F.
Identifiers: ClinVar variation 2009998 (VCV002009998.1), dbSNP rs2036568723, ClinGen allele CA410498116.